The following is an entry in ClinVar:

ClinVar aggregate classification (germline): Benign (1 of 4 stars; one submission).

Conditions:
Rhizomelic chondrodysplasia punctata type 3 (RCDP3). Also called: Alkylglycerone Phosphate Synthase (AGPS) deficiency; ALKYLDIHYDROXYACETONEPHOSPHATE SYNTHASE DEFICIENCY. Identifiers: Orphanet 177, Orphanet 309803, MedGen C1838612, MONDO:0010823, OMIM 600121. Disease mechanism: loss of function.

Allele frequency attached by ClinVar (database versions not stated): gnomAD 0.00660 and 0.00708; TOPMed 0.00716; 1000 Genomes Project 30x 0.00734; 1000 Genomes Project 0.00759.

Submission:

Illumina Laboratory Services, Illumina
Classification: Benign for Rhizomelic chondrodysplasia punctata type 3. Last evaluated: 2018-01-13. Review status: criteria provided, single submitter. Criteria: ICSL Variant Classification Criteria 13 December 2019. Collection method: clinical testing. Allele origin: germline.
Comment: This variant was observed in the ICSL laboratory as part of a predisposition screen in an ostensibly healthy population. It had not been previously curated by ICSL or reported in the Human Gene Mutation Database (HGMD: prior to June 1st, 2018), and was therefore a candidate for classification through an automated scoring system. Utilizing variant allele frequency, disease prevalence and penetrance estimates, and inheritance mode, an automated score was calculated to assess if this variant is too frequent to cause the disease. Based on the score and internal cut-off values, a variant classified as benign is not then subjected to further curation. The score for this variant resulted in a classification of benign for this disease.

NM_003659.4(AGPS):c.*3894A>G

Gene: AGPS (alkylglycerone phosphate synthase; plus strand). Cytogenetic location: 2q31.2.
Variant type: single nucleotide variant.
Coding change: c.*3894A>G on transcript NM_003659.4 (MANE Select); 3894 bases downstream of the stop codon, A replaced by G.
Molecular consequence: 3 prime UTR variant.
Genome position (GRCh38, 1-based): chr2:177,542,089, A>G. VCF-style: chr2-177542089-A-G. GRCh37 (hg19) VCF-style: chr2-178406817-A-G.
Identifiers: ClinVar variation 893731 (VCV000893731.4), dbSNP rs74988186, ClinGen allele CA60905573.